The following is an entry in ClinVar:

NM_016580.4(PCDH12):c.2326C>T (p.His776Tyr)

Genes: PCDH12 (protocadherin 12; minus strand), RNF14 (ring finger protein 14; plus strand). Cytogenetic location: 5q31.3.
Variant type: single nucleotide variant.
Coding change: c.2326C>T on transcript NM_016580.4 (MANE Select); coding-DNA position 2326, C replaced by T.
Protein change: p.His776Tyr; replaces histidine 776 with tyrosine.
Molecular consequence: missense variant.
Genome position (GRCh38, 1-based): chr5:141,955,526, G>A on the plus strand (C>T on the coding strand, the complement: PCDH12 is on the minus strand). VCF-style: chr5-141955526-G-A. GRCh37 (hg19) VCF-style: chr5-141335091-G-A.
Other names: short protein forms H776Y.
Identifiers: ClinVar variation 1304586 (VCV001304586.8), dbSNP rs763675085, ClinGen allele CA3484233.

ClinVar aggregate classification (germline): Uncertain significance. Review status: criteria provided, multiple submitters, no conflicts (2 of 4 stars). 2 submissions from 2 submitters: Uncertain significance (2). Last evaluated 2024-02-24.

Allele frequency attached by ClinVar (database versions not stated): ExAC 0.00002; TOPMed 0.00004.
gnomAD v4.1: 36 of 1,614,020 alleles (0.0022%); highest among the groups gnomAD compares: Non-Finnish European, 0.0027%; no homozygotes.

Submissions (2):

Labcorp Genetics (formerly Invitae), Labcorp
Classification: Uncertain significance. Last evaluated: 2024-02-24. Review status: criteria provided, single submitter. Criteria: Invitae Variant Classification Sherloc (09022015). Collection method: clinical testing. Allele origin: germline.
Comment: This sequence change replaces histidine, which is basic and polar, with tyrosine, which is neutral and polar, at codon 776 of the PCDH12 protein (p.His776Tyr). This variant is present in population databases (rs763675085, gnomAD 0.005%). This variant has not been reported in the literature in individuals affected with PCDH12-related conditions. ClinVar contains an entry for this variant (Variation ID: 1304586). Advanced modeling of protein sequence and biophysical properties (such as structural, functional, and spatial information, amino acid conservation, physicochemical variation, residue mobility, and thermodynamic stability) performed at Invitae indicates that this missense variant is not expected to disrupt PCDH12 protein function with a negative predictive value of 95%. In summary, the available evidence is currently insufficient to determine the role of this variant in disease. Therefore, it has been classified as a Variant of Uncertain Significance.

GeneDx
Classification: Uncertain significance. Last evaluated: 2019-05-24. Review status: criteria provided, single submitter. Criteria: GeneDx Variant Classification Process June 2021. Collection method: clinical testing. Allele origin: germline. Affected: yes.
Comment: Has not been previously published as pathogenic or benign to our knowledge; In silico analysis, which includes protein predictors and evolutionary conservation, supports that this variant does not alter protein structure/function